The following is an entry in ClinVar:

ClinVar aggregate classification (germline): Pathogenic (1 of 4 stars; one submission).

Conditions:
Gastrointestinal stromal tumor. Also called: Gastrointestinal stromal tumor, somatic; Gastrointestinal stroma tumor. Identifiers: Orphanet 44890, MedGen C0238198, MeSH D046152, MONDO:0011719, OMIM 606764, HP:0100723.

Submission:

Labcorp Genetics (formerly Invitae), Labcorp
Classification: Pathogenic for Gastrointestinal stromal tumor. Last evaluated: 2023-03-24. Review status: criteria provided, single submitter. Criteria: Invitae Variant Classification Sherloc (09022015). Collection method: clinical testing. Allele origin: germline.
Comment: Algorithms developed to predict the effect of sequence changes on RNA splicing suggest that this variant may create or strengthen a splice site. This sequence change creates a premature translational stop signal (p.Asn320Thrfs*6) in the KIT gene. It is expected to result in an absent or disrupted protein product. Loss-of-function variants in KIT are known to be pathogenic (PMID: 15194144). This variant is not present in population databases (gnomAD no frequency). This variant has not been reported in the literature in individuals affected with KIT-related conditions. For these reasons, this variant has been classified as Pathogenic.

Literature cited by the submitters: PubMed 15194144.

NM_000222.3(KIT):c.959del (p.Asn320fs)

Gene: KIT (KIT proto-oncogene, receptor tyrosine kinase; plus strand). Cytogenetic location: 4q12.
Variant type: Deletion.
Coding change: c.959del on transcript NM_000222.3 (MANE Select); coding-DNA position 959, one base deleted (A; older notation c.959delA).
Protein change: p.Asn320fs; shifts the reading frame from asparagine 320.
Molecular consequence: frameshift variant.
Genome position (GRCh38, 1-based): chr4:54,707,131, A deleted; the last of 3 consecutive A bases (chr4:54,707,129-54,707,131); deleting any one gives the same sequence. VCF-style (leftmost placement, unchanged base first): chr4-54707128-TA-T. GRCh37 (hg19) VCF-style: chr4-55573294-TA-T.
Other names: c.962del, p.Asn321fs (NM_001385284.1, NM_001385288.1, NM_001385290.1 and 1 more transcripts); c.959del, p.Asn320fs (NM_001385285.1, NM_001385286.1, NM_001093772.2); short protein forms N320fs, N321fs.
Identifiers: ClinVar variation 2849144 (VCV002849144.3), dbSNP rs2475478466, ClinGen allele CA2739270077.